The following is an entry in ClinVar:

NM_000059.4(BRCA2):c.1309A>C (p.Lys437Gln)

Gene: BRCA2 (BRCA2 DNA repair associated; plus strand). Cytogenetic location: 13q13.1.
Variant type: single nucleotide variant.
Coding change: c.1309A>C on transcript NM_000059.4 (MANE Select); coding-DNA position 1309, A replaced by C.
Protein change: p.Lys437Gln; replaces lysine 437 with glutamine.
Molecular consequence: missense variant. On other transcripts: non-coding transcript variant (1), intron variant (1).
Genome position (GRCh38, 1-based): chr13:32,332,787, A>C. VCF-style: chr13-32332787-A-C. GRCh37 (hg19) VCF-style: chr13-32906924-A-C.
Other names: c.1309A>C, p.Lys437Gln (NM_001406719.1, NM_001406720.1, NM_001406721.1); c.424+1757A>C (NM_001406722.1); short protein forms K437Q.
Identifiers: ClinVar variation 3261599 (VCV003261599.1).

ClinVar aggregate classification (germline): Uncertain significance (1 of 4 stars; one submission).

Conditions:
Hereditary cancer-predisposing syndrome. Also called: Hereditary Cancer Syndrome; Tumor predisposition; Hereditary neoplastic syndrome; Neoplastic Syndromes, Hereditary. Identifiers: Orphanet 140162, MedGen C0027672, MeSH D009386, MONDO:0015356.

Submission:

Ambry Genetics
Classification: Uncertain significance for Hereditary cancer-predisposing syndrome. Last evaluated: 2024-04-22. Review status: criteria provided, single submitter. Criteria: Ambry Variant Classification Scheme 2023. Collection method: clinical testing. Allele origin: germline.
Comment: The p.K437Q variant (also known as c.1309A>C), located in coding exon 9 of the BRCA2 gene, results from an A to C substitution at nucleotide position 1309. The lysine at codon 437 is replaced by glutamine, an amino acid with similar properties. This amino acid position is conserved. In addition, this alteration is predicted to be tolerated by in silico analysis. Based on the available evidence, the clinical significance of this variant remains unclear.